The following is an entry in ClinVar:

NM_020987.5(ANK3):c.12294C>T (p.Ala4098=)

Gene: ANK3 (ankyrin 3; minus strand). Cytogenetic location: 10q21.2.
Variant type: single nucleotide variant.
Coding change: c.12294C>T on transcript NM_020987.5 (MANE Select); coding-DNA position 12294, C replaced by T.
Protein change: p.Ala4098=; no amino-acid change (alanine 4098 retained).
Molecular consequence: synonymous variant.
Genome position (GRCh38, 1-based): chr10:60,067,960, G>A on the plus strand (C>T on the coding strand, the complement: ANK3 is on the minus strand). VCF-style: chr10-60067960-G-A. GRCh37 (hg19) VCF-style: chr10-61827718-G-A.
Other names: c.1857C>T, p.Ala619= (NM_001149.4); c.4437C>T, p.Ala1479= (NM_001204403.2); c.4458C>T, p.Ala1486= (NM_001204404.2); c.4455C>T, p.Ala1485= (NM_001320874.2).
Identifiers: ClinVar variation 2439085 (VCV002439085.27), dbSNP rs138073935, ClinGen allele CA5510923.

ClinVar aggregate classification (germline): Conflicting classifications of pathogenicity. Review status: criteria provided, conflicting classifications (1 of 4 stars). 2 submissions from 2 submitters: Uncertain significance (1); Likely benign (1). Last evaluated 2022-09-29.

Allele frequency attached by ClinVar (database versions not stated): gnomAD exomes 0.00003; TOPMed 0.00003; ExAC 0.00006; gnomAD 0.00006; ESP Exome Variant Server 0.00008.
gnomAD v4.1: 63 of 1,609,624 alleles (0.0039%); highest among the groups gnomAD compares: African/African-American, 0.004%; no homozygotes.

Submissions (2):

Revvity Omics, Revvity
Classification: Uncertain significance. Last evaluated: 2022-09-29. Review status: criteria provided, single submitter. Criteria: ACMG Guidelines, 2015. Collection method: clinical testing. Allele origin: germline.

CeGaT Center for Human Genetics Tuebingen
Classification: Likely benign. Last evaluated: 2022-03-01. Review status: criteria provided, single submitter. Criteria: CeGaT Center For Human Genetics Tuebingen Variant Classification Criteria Version 2. Collection method: clinical testing. Allele origin: germline. Affected: yes. Observed: 1 variant allele.
Comment: ANK3: BP4, BP7